The following is an entry in ClinVar:

ClinVar aggregate classification (germline): Uncertain significance. Review status: criteria provided, multiple submitters, no conflicts (2 of 4 stars). 2 submissions from 2 submitters: Uncertain significance (2). Last evaluated 2025-09-03.

Conditions:
Palatal anomalies-widely spaced teeth-facial dysmorphism-developmental delay syndrome. Also called: Cleft palate, psychomotor retardation, and distinctive facial features. Identifiers: Orphanet 477993, MedGen C4225229, MONDO:0014751, OMIM 616728.

Allele frequency attached by ClinVar (database versions not stated): gnomAD exomes below 0.00001; gnomAD 0.00001.
gnomAD v4.1: 2 of 1,613,972 alleles (0.00012%); highest among the groups gnomAD compares: African/African-American, 0.0013%; no homozygotes.

Submissions (2):

Labcorp Genetics (formerly Invitae), Labcorp
Classification: Uncertain significance. Last evaluated: 2025-09-03. Review status: criteria provided, single submitter. Criteria: Invitae Variant Classification Sherloc (09022015). Collection method: clinical testing. Allele origin: germline.
Comment: This sequence change replaces threonine, which is neutral and polar, with methionine, which is neutral and non-polar, at codon 634 of the KDM1A protein (p.Thr634Met). This variant is present in population databases (no rsID available, gnomAD 0.007%). This variant has not been reported in the literature in individuals affected with KDM1A-related conditions. ClinVar contains an entry for this variant (Variation ID: 1321284). Invitae Evidence Modeling of protein sequence and biophysical properties (such as structural, functional, and spatial information, amino acid conservation, physicochemical variation, residue mobility, and thermodynamic stability) indicates that this missense variant is not expected to disrupt KDM1A protein function with a negative predictive value of 80%. In summary, the available evidence is currently insufficient to determine the role of this variant in disease. Therefore, it has been classified as a Variant of Uncertain Significance.

3billion
Classification: Uncertain significance for Palatal anomalies-widely spaced teeth-facial dysmorphism-developmental delay syndrome. Last evaluated: 2021-10-25. Review status: criteria provided, single submitter. Criteria: ACMG Guidelines, 2015. Collection method: clinical testing. Allele origin: unknown. Affected: yes. Observed: 1 heterozygote.
Comment: The variant is observed at an extremely low frequency in the gnomAD v2.1.1 dataset (total allele frequency: 0.000004). In silico tool predictions suggest damaging effect of the variant on gene or gene product (3Cnet: 0.93, PP3). Therefore, this variant is classified as uncertain significance according to the recommendation of ACMG/AMP guideline.

NM_001009999.3(KDM1A):c.1901C>T (p.Thr634Met)

Gene: KDM1A (lysine demethylase 1A; plus strand). Cytogenetic location: 1p36.12.
Variant type: single nucleotide variant.
Coding change: c.1901C>T on transcript NM_001009999.3 (MANE Select); coding-DNA position 1901, C replaced by T.
Protein change: p.Thr634Met; replaces threonine 634 with methionine.
Molecular consequence: missense variant.
Genome position (GRCh38, 1-based): chr1:23,079,023, C>T. VCF-style: chr1-23079023-C-T. GRCh37 (hg19) VCF-style: chr1-23405516-C-T.
Other names: c.1847C>T, p.Thr616Met (NM_001363654.2); c.1829C>T, p.Thr610Met (NM_015013.4); short protein forms T610M, T616M, T634M.
Identifiers: ClinVar variation 1321284 (VCV001321284.6), dbSNP rs1363624048, ClinGen allele CA338970896.